The following is an entry in ClinVar:

ClinVar aggregate classification (germline): Uncertain significance. Review status: criteria provided, multiple submitters, no conflicts (2 of 4 stars). 3 submissions from 3 submitters: Uncertain significance (3). Last evaluated 2025-04-28.

Conditions:
Pitt-Hopkins-like syndrome 2 (PTHSL2). Identifiers: Orphanet 221150, Orphanet 600663, MedGen C3280479, MONDO:0013690, OMIM 614325.

Submissions (3):

Labcorp Genetics (formerly Invitae), Labcorp
Classification: Uncertain significance for Pitt-Hopkins-like syndrome 2. Last evaluated: 2025-04-28. Review status: criteria provided, single submitter. Criteria: Invitae Variant Classification Sherloc (09022015). Collection method: clinical testing. Allele origin: germline.
Comment: This variant, c.609_610delinsCA, is a complex sequence change that results in the deletion of 2 and insertion of 2 amino acid(s) in the NRXN1 protein (p.Lys203_Leu204delinsAsnMet). Information on the frequency of this variant in the gnomAD database is not available, as this variant may be reported differently in the database. This variant has not been reported in the literature in individuals affected with NRXN1-related conditions. ClinVar contains an entry for this variant (Variation ID: 283007). Experimental studies and prediction algorithms are not available or were not evaluated, and the functional significance of this variant is currently unknown. In summary, the available evidence is currently insufficient to determine the role of this variant in disease. Therefore, it has been classified as a Variant of Uncertain Significance.

GeneDx
Classification: Uncertain significance. Last evaluated: 2022-12-12. Review status: criteria provided, single submitter. Criteria: GeneDx Variant Classification Process June 2021. Collection method: clinical testing. Allele origin: germline. Affected: yes.
Comment: In silico analysis supports that this variant does not alter protein structure/function; Has not been previously published as pathogenic or benign to our knowledge

Eurofins Ntd Llc (ga)
Classification: Uncertain significance. Last evaluated: 2015-09-10. Review status: criteria provided, single submitter. Criteria: EGL Classification Definitions 2015. Collection method: clinical testing. Allele origin: germline. Observed: 1 variant allele, 1 heterozygote.

NM_001330078.2(NRXN1):c.609_610delinsCA (p.Lys203_Leu204delinsAsnMet)

Gene: NRXN1 (neurexin 1; minus strand). Cytogenetic location: 2p16.3.
Variant type: Indel.
Coding change: c.609_610delinsCA on transcript NM_001330078.2 (MANE Select); coding-DNA positions 609 to 610, GC replaced by CA.
Protein change: p.Lys203_Leu204delinsAsnMet.
Molecular consequence: missense variant.
Genome position (GRCh38, 1-based): chr2:51,027,664-51,027,665, GC replaced by TG on the plus strand (GC replaced by CA on the coding strand, the reverse complement: NRXN1 is on the minus strand). VCF-style: chr2-51027664-GC-TG. GRCh37 (hg19) VCF-style: chr2-51254802-GC-TG.
Other names: c.609_610delGCinsCA (NM_001135659.1); c.609_610delinsCA, p.Lys203_Leu204delinsAsnMet (NM_001135659.3, NM_001330077.2, NM_001330079.2 and 15 more transcripts).
Identifiers: ClinVar variation 283007 (VCV000283007.17), dbSNP rs886042534, ClinGen allele CA10604366.
Genomic context (GRCh38, chr2:51,027,664, plus strand): 5'-CGCCCTCCTCGCCCGCCTCGCACGGGCTTCCCCCGCCGCTGTTGGGCGGCTCATCGTCCA[GC>TG]TTCACCTCGCCGCTGTCCACGGGCAGGACCTGCGAGGAGTTGACCCTCACGTCACGAATC-3'